The following is an entry in ClinVar:

NM_001123385.2(BCOR):c.4900A>G (p.Ser1634Gly)

Gene: BCOR (BCL6 corepressor; minus strand). Cytogenetic location: Xp11.4.
Variant type: single nucleotide variant.
Coding change: c.4900A>G on transcript NM_001123385.2 (MANE Select); coding-DNA position 4900, A replaced by G.
Protein change: p.Ser1634Gly; replaces serine 1634 with glycine.
Molecular consequence: missense variant.
Genome position (GRCh38, 1-based): chrX:40,053,962, T>C on the plus strand (A>G on the coding strand, the complement: BCOR is on the minus strand). VCF-style: chrX-40053962-T-C. GRCh37 (hg19) VCF-style: chrX-39913215-T-C.
Other names: c.4798A>G, p.Ser1600Gly (NM_001123383.2, NM_017745.6); c.4744A>G, p.Ser1582Gly (NM_001123384.2); short protein forms S1582G, S1600G, S1634G.
Identifiers: ClinVar variation 3620657 (VCV003620657.2).

ClinVar aggregate classification (germline): Uncertain significance (1 of 4 stars; one submission).

Conditions:
Oculofaciocardiodental syndrome (MCOPS2). Identifiers: Orphanet 2712, MedGen C1846265, MONDO:0010261, OMIM 300166.

gnomAD v4.1: 47 of 1,209,124 alleles (0.0039%); highest among the groups gnomAD compares: South Asian, 0.083%; no homozygotes.

Submission:

Labcorp Genetics (formerly Invitae), Labcorp
Classification: Uncertain significance for Oculofaciocardiodental syndrome. Last evaluated: 2024-07-02. Review status: criteria provided, single submitter. Criteria: Invitae Variant Classification Sherloc (09022015). Collection method: clinical testing. Allele origin: germline.
Comment: This sequence change replaces serine, which is neutral and polar, with glycine, which is neutral and non-polar, at codon 1600 of the BCOR protein (p.Ser1600Gly). This variant is present in population databases (rs776885458, gnomAD 0.07%), and has an allele count higher than expected for a pathogenic variant. This variant has not been reported in the literature in individuals affected with BCOR-related conditions. Advanced modeling of protein sequence and biophysical properties (such as structural, functional, and spatial information, amino acid conservation, physicochemical variation, residue mobility, and thermodynamic stability) performed at Invitae indicates that this missense variant is not expected to disrupt BCOR protein function with a negative predictive value of 80%. In summary, the available evidence is currently insufficient to determine the role of this variant in disease. Therefore, it has been classified as a Variant of Uncertain Significance.